The following is an entry in ClinVar:

ClinVar aggregate classification (germline): Uncertain significance (1 of 4 stars; one submission).

Conditions:
Inborn genetic diseases. Identifiers: MedGen C0950123, MeSH D030342.

Allele frequency attached by ClinVar (database versions not stated): TOPMed below 0.00001.

Submission:

Ambry Genetics
Classification: Uncertain significance for Inborn genetic diseases. Last evaluated: 2018-04-19. Review status: criteria provided, single submitter. Criteria: Ambry Variant Classification Scheme 2023. Collection method: clinical testing. Allele origin: germline.
Comment: The p.A2275V variant (also known as c.6824C>T), located in coding exon 7 of the ANKRD11 gene, results from a C to T substitution at nucleotide position 6824. The alanine at codon 2275 is replaced by valine, an amino acid with similar properties. This amino acid position is poorly conserved in available vertebrate species. In addition, this alteration is predicted to be tolerated by in silico analysis. Since supporting evidence is limited at this time, the clinical significance of this alteration remains unclear.

NM_013275.6(ANKRD11):c.6824C>T (p.Ala2275Val)

Gene: ANKRD11 (ankyrin repeat domain containing 11; minus strand). Cytogenetic location: 16q24.3.
Variant type: single nucleotide variant.
Coding change: c.6824C>T on transcript NM_013275.6 (MANE Select); coding-DNA position 6824, C replaced by T.
Protein change: p.Ala2275Val; replaces alanine 2275 with valine.
Molecular consequence: missense variant.
Genome position (GRCh38, 1-based): chr16:89,279,718, G>A on the plus strand (C>T on the coding strand, the complement: ANKRD11 is on the minus strand). VCF-style: chr16-89279718-G-A. GRCh37 (hg19) VCF-style: chr16-89346126-G-A.
Other names: c.6824C>T, p.Ala2275Val (NM_001256182.2, NM_001256183.2); short protein forms A2275V.
Identifiers: ClinVar variation 1755655 (VCV001755655.2), dbSNP rs1376617625, ClinGen allele CA397149899.